The following is an entry in ClinVar:

ClinVar aggregate classification (germline): Conflicting classifications of pathogenicity. Review status: criteria provided, conflicting classifications (1 of 4 stars). 4 submissions from 4 submitters: Uncertain significance (1); Benign (1); Likely benign (2). Last evaluated 2026-01-23.

Allele frequency attached by ClinVar (database versions not stated): gnomAD exomes 0.00023 and 0.00086; ExAC 0.00106; ESP Exome Variant Server 0.00284; gnomAD 0.00284 and 0.00307; TOPMed 0.00318; 1000 Genomes Project 30x 0.00453; 1000 Genomes Project 0.00459.
gnomAD v4.1: 791 of 1,518,084 alleles (0.052%); highest among the groups gnomAD compares: African/African-American, 0.93%; 6 homozygotes.

Submissions (4):

Women's Health and Genetics/Laboratory Corporation of America, LabCorp
Classification: Likely benign. Last evaluated: 2026-01-23. Review status: criteria provided, single submitter. Criteria: LabCorp Variant Classification Summary - May 2015. Collection method: clinical testing. Allele origin: germline.

Labcorp Genetics (formerly Invitae), Labcorp
Classification: Benign. Last evaluated: 2026-01-21. Review status: criteria provided, single submitter. Criteria: Invitae Variant Classification Sherloc (09022015). Collection method: clinical testing. Allele origin: germline.

Blueprint Genetics
Classification: Likely benign. Last evaluated: 2024-09-09. Review status: criteria provided, single submitter. Criteria: ACMG Guidelines, 2015. Collection method: clinical testing. Allele origin: germline.

Laboratorio de Genetica e Diagnostico Molecular, Hospital Israelita Albert Einstein
Classification: Uncertain significance. Last evaluated: 2020-09-20. Review status: criteria provided, single submitter. Criteria: ACMG Guidelines, 2015. Collection method: clinical testing. Allele origin: germline. Affected: yes.
Comment: ACMG classification criteria: BP4

NM_001354930.2(RIPK1):c.1730-15T>C

Gene: RIPK1 (receptor interacting serine/threonine kinase 1; plus strand). Cytogenetic location: 6p25.2.
Variant type: single nucleotide variant.
Coding change: c.1730-15T>C on transcript NM_001354930.2 (MANE Select); 15 bases into the intron before coding-DNA position 1730, T replaced by C.
Molecular consequence: intron variant.
Genome position (GRCh38, 1-based): chr6:3,113,038, T>C. VCF-style: chr6-3113038-T-C. GRCh37 (hg19) VCF-style: chr6-3113272-T-C.
Other names: c.1730-15T>C (NM_003804.6); c.1592-15T>C (NM_001354931.2); c.1241-15T>C (NM_001354934.2, NM_001354933.2, NM_001317061.3 and 1 more transcripts).
Identifiers: ClinVar variation 1585961 (VCV001585961.12), dbSNP rs113605768, ClinGen allele CA3618513.
Genomic context (GRCh38, chr6:3,113,038, plus strand): 5'-TTTTTAGCAATTCAGGAAGCTGGAATGTTTGAATGGGTTTTAGCTTGATACCTTCTTCTT[T>C]TTCCCATTTGGCAGATAATACCACTAGTCTGACGGATAAACACCTGGACCCAATCAGGGA-3'